The following is an entry in ClinVar:

NM_032119.4(ADGRV1):c.6736G>T (p.Glu2246Ter)

Gene: ADGRV1 (adhesion G protein-coupled receptor V1; plus strand). Cytogenetic location: 5q14.3.
Variant type: single nucleotide variant.
Coding change: c.6736G>T on transcript NM_032119.4 (MANE Select); coding-DNA position 6736, G replaced by T.
Protein change: p.Glu2246Ter; replaces glutamic acid 2246 with a stop codon.
Molecular consequence: nonsense. On other transcripts: non-coding transcript variant (1).
Genome position (GRCh38, 1-based): chr5:90,690,826, G>T. VCF-style: chr5-90690826-G-T. GRCh37 (hg19) VCF-style: chr5-89986643-G-T.
Other names: short protein forms E2246*.
Identifiers: ClinVar variation 4714900 (VCV004714900.1).

ClinVar aggregate classification (germline): Pathogenic (1 of 4 stars; one submission).

Submission:

Labcorp Genetics (formerly Invitae), Labcorp
Classification: Pathogenic. Last evaluated: 2025-04-22. Review status: criteria provided, single submitter. Criteria: Invitae Variant Classification Sherloc (09022015). Collection method: clinical testing. Allele origin: germline.
Comment: This sequence change creates a premature translational stop signal (p.Glu2246*) in the ADGRV1 gene. It is expected to result in an absent or disrupted protein product. Loss-of-function variants in ADGRV1 are known to be pathogenic (PMID: 19357117, 22135276, 22147658, 26226137, 30718709, 31047384, 32467589). This variant is not present in population databases (gnomAD no frequency). This variant has not been reported in the literature in individuals affected with ADGRV1-related conditions. Algorithms developed to predict the effect of sequence changes on RNA splicing suggest that this variant may disrupt the consensus splice site. For these reasons, this variant has been classified as Pathogenic.

Literature cited by the submitters: PubMed 19357117; PubMed 22135276; PubMed 22147658; PubMed 26226137; PubMed 30718709; PubMed 31047384; PubMed 32467589.